The following is an entry in ClinVar:

NM_017882.3(CLN6):c.683G>A (p.Gly228Asp)

Gene: CLN6 (CLN6 transmembrane ER protein; minus strand). Cytogenetic location: 15q23.
Variant type: single nucleotide variant.
Coding change: c.683G>A on transcript NM_017882.3 (MANE Select); coding-DNA position 683, G replaced by A.
Protein change: p.Gly228Asp; replaces glycine 228 with aspartic acid.
Molecular consequence: missense variant.
Genome position (GRCh38, 1-based): chr15:68,208,393, C>T on the plus strand (G>A on the coding strand, the complement: CLN6 is on the minus strand). VCF-style: chr15-68208393-C-T. GRCh37 (hg19) VCF-style: chr15-68500731-C-T.
Other names: c.779G>A, p.Gly260Asp (NM_001411068.1); short protein forms G260D, G228D.
Identifiers: ClinVar variation 1952019 (VCV001952019.5), dbSNP rs2505401877, ClinGen allele CA392972330.

ClinVar aggregate classification (germline): Uncertain significance (1 of 4 stars; one submission).

Conditions:
Neuronal ceroid lipofuscinosis. Also called: Neuronal Ceroid Lipofuscinoses. Identifiers: Orphanet 216, Orphanet 79263, MedGen C0027877, MONDO:0016295. Disease mechanism: loss of function.

Submission:

Labcorp Genetics (formerly Invitae), Labcorp
Classification: Uncertain significance for Neuronal ceroid lipofuscinosis. Last evaluated: 2022-03-26. Review status: criteria provided, single submitter. Criteria: Invitae Variant Classification Sherloc (09022015). Collection method: clinical testing. Allele origin: germline.
Comment: This variant is not present in population databases (gnomAD no frequency). In summary, the available evidence is currently insufficient to determine the role of this variant in disease. Therefore, it has been classified as a Variant of Uncertain Significance. Algorithms developed to predict the effect of missense changes on protein structure and function are either unavailable or do not agree on the potential impact of this missense change (SIFT: "Deleterious"; PolyPhen-2: "Probably Damaging"; Align-GVGD: "Class C0"). This variant has not been reported in the literature in individuals affected with CLN6-related conditions. This sequence change replaces glycine, which is neutral and non-polar, with aspartic acid, which is acidic and polar, at codon 228 of the CLN6 protein (p.Gly228Asp).